The following is an entry in ClinVar:

ClinVar aggregate classification (germline): Pathogenic. Review status: criteria provided, multiple submitters, no conflicts (2 of 4 stars). 4 submissions from 4 submitters: Pathogenic (3). 1 of the submissions does not count toward it. Last evaluated 2025-11-03.

Conditions:
Polyglandular autoimmune syndrome, type 1 (APS1). Also called: Autoimmune polyendocrinopathy syndrome, type I; PGA I; Autoimmune polyendocrine syndrome type 1; Whitaker syndrome; AUTOIMMUNE POLYENDOCRINE SYNDROME, TYPE I, WITH OR WITHOUT REVERSIBLE METAPHYSEAL DYSPLASIA; Autoimmune polyendocrinopathy syndrome , type I, with or without reversible metaphyseal dysplasia. Identifiers: Orphanet 3453, MedGen C0085859, MONDO:0009411, OMIM 240300.
AIRE-related disorder. Also called: AIRE-related condition.

Submissions (4):

PreventionGenetics, part of Exact Sciences
Classification: Pathogenic for AIRE-related condition. Last evaluated: 2025-11-03. Review status: criteria provided, single submitter. Criteria: ACMG Guidelines, 2015. Collection method: clinical testing. Allele origin: germline.
Comment: The AIRE c.260delT variant is predicted to result in a frameshift and premature protein termination (p.Leu87Argfs*60). This variant has been reported homozygous in three individuals with autoimmune polyendocrinopathy syndrome (Cranston et al. 2022. PubMed ID: 35521792). This variant has not been reported in a large population database, indicating this variant is rare. Frameshift variants in AIRE are expected to be pathogenic. This variant is interpreted as pathogenic.

CeGaT Center for Human Genetics Tuebingen
Classification: Pathogenic. Last evaluated: 2024-04-01. Review status: criteria provided, single submitter. Criteria: CeGaT Center For Human Genetics Tuebingen Variant Classification Criteria Version 2. Collection method: clinical testing. Allele origin: germline. Affected: yes. Observed: 1 variant allele.
Comment: AIRE: PVS1, PM2

Labcorp Genetics (formerly Invitae), Labcorp
Classification: Pathogenic for Polyglandular autoimmune syndrome, type 1. Last evaluated: 2024-01-11. Review status: criteria provided, single submitter. Criteria: Invitae Variant Classification Sherloc (09022015). Collection method: clinical testing. Allele origin: germline.
Comment: This sequence change creates a premature translational stop signal (p.Leu87Argfs*60) in the AIRE gene. It is expected to result in an absent or disrupted protein product. Loss-of-function variants in AIRE are known to be pathogenic (PMID: 11524731, 26141571). This variant is not present in population databases (gnomAD no frequency). This variant has not been reported in the literature in individuals affected with AIRE-related conditions. ClinVar contains an entry for this variant (Variation ID: 371637). For these reasons, this variant has been classified as Pathogenic.

Counsyl
Classification: Likely pathogenic for Polyglandular autoimmune syndrome, type 1. Last evaluated: 2016-11-04. Review status: no assertion criteria provided. Collection method: clinical testing. Allele origin: unknown. Not counted in ClinVar's aggregate classification.

Literature cited by the submitters: PubMed 11524731 (cited by Labcorp Genetics (formerly Invitae), Labcorp); PubMed 26141571 (cited by Labcorp Genetics (formerly Invitae), Labcorp).

NM_000383.4(AIRE):c.260del (p.Leu87fs)

Gene: AIRE (autoimmune regulator; plus strand). Cytogenetic location: 21q22.3.
Variant type: Deletion.
Coding change: c.260del on transcript NM_000383.4 (MANE Select); coding-DNA position 260, one base deleted (T; older notation c.260delT).
Protein change: p.Leu87fs; shifts the reading frame from leucine 87.
Molecular consequence: frameshift variant.
Genome position (GRCh38, 1-based): chr21:44,286,684, T deleted. VCF-style (leftmost placement, unchanged base first): chr21-44286683-CT-C. GRCh37 (hg19) VCF-style: chr21-45706566-CT-C.
Other names: short protein forms L87fs.
Identifiers: ClinVar variation 371637 (VCV000371637.27), dbSNP rs1057517428, ClinGen allele CA16042014.